The following is an entry in ClinVar:

ClinVar aggregate classification (germline): Likely benign (1 of 4 stars; one submission).

Allele frequency attached by ClinVar (database versions not stated): gnomAD 0.00007; TOPMed 0.00008; gnomAD exomes 0.00015.
gnomAD v4.1: 86 of 675,932 alleles (0.013%); highest among the groups gnomAD compares: Non-Finnish European, 0.023%; no homozygotes.

Submission:

CeGaT Center for Human Genetics Tuebingen
Classification: Likely benign. Last evaluated: 2022-10-01. Review status: criteria provided, single submitter. Criteria: CeGaT Center For Human Genetics Tuebingen Variant Classification Criteria Version 2. Collection method: clinical testing. Allele origin: germline. Affected: yes. Observed: 1 variant allele.
Comment: CAMK2A: BP4, BP7

NM_015981.4(CAMK2A):c.*296G>C

Gene: CAMK2A (calcium/calmodulin dependent protein kinase II alpha; minus strand). Cytogenetic location: 5q32.
Variant type: single nucleotide variant.
Coding change: c.*296G>C on transcript NM_015981.4 (MANE Select); 296 bases downstream of the stop codon, G replaced by C.
Molecular consequence: 3 prime UTR variant.
Genome position (GRCh38, 1-based): chr5:150,222,414, C>G on the plus strand (G>C on the coding strand, the complement: CAMK2A is on the minus strand). VCF-style: chr5-150222414-C-G. GRCh37 (hg19) VCF-style: chr5-149601977-C-G.
Other names: c.*296G>C (NM_001363989.1, NM_001363990.1, NM_171825.3); c.*325G>C (NM_001369025.2).
Identifiers: ClinVar variation 2655912 (VCV002655912.24), dbSNP rs905371320, ClinGen allele CA129122711.